The following is an entry in ClinVar:

ClinVar aggregate classification (germline): Uncertain significance. Review status: criteria provided, multiple submitters, no conflicts (2 of 4 stars). 3 submissions from 3 submitters: Uncertain significance (3). Last evaluated 2026-08-25.

Conditions:
Colorectal cancer, susceptibility to, 1. Also called: COLORECTAL ADENOMA AND CANCER, SUSCEPTIBILITY TO; COLORECTAL CANCER, SUSCEPTIBILITY TO, ON CHROMOSOME 9. Identifiers: MedGen C1837315, MONDO:0012132, OMIM 608812.

gnomAD v4.1: 11 of 1,614,072 alleles (0.00068%); highest among the groups gnomAD compares: Non-Finnish European, 0.00093%; no homozygotes.

Submissions (3):

Ambry Genetics
Classification: Uncertain significance. Last evaluated: 2026-08-25. Review status: criteria provided, single submitter. Criteria: Ambry Variant Classification Scheme 2023. Collection method: clinical testing. Allele origin: germline.
Comment: The p.E522* variant (also known as c.1564G>T), located in coding exon 9 of the GALNT12 gene, results from a G to T substitution at nucleotide position 1564. This changes the amino acid from a glutamic acid to a stop codon within coding exon 9. This variant occurs at the 3' terminus of the gene and is not expected to trigger nonsense-mediated mRNA decay. The evidence for this gene-disease relationship is limited; therefore, the clinical significance of this variant is unclear.

Baylor Genetics
Classification: Uncertain significance for Colorectal cancer, susceptibility to, 1. Last evaluated: 2023-05-22. Review status: criteria provided, single submitter. Criteria: ACMG Guidelines, 2015. Collection method: clinical testing. Allele origin: unknown.

Labcorp Genetics (formerly Invitae), Labcorp
Classification: Uncertain significance. Last evaluated: 2022-07-06. Review status: criteria provided, single submitter. Criteria: Invitae Variant Classification Sherloc (09022015). Collection method: clinical testing. Allele origin: germline.
Comment: This variant has not been reported in the literature in individuals affected with GALNT12-related conditions. ClinVar contains an entry for this variant (Variation ID: 1449635). In summary, the available evidence is currently insufficient to determine the role of this variant in disease. Therefore, it has been classified as a Variant of Uncertain Significance. This sequence change creates a premature translational stop signal (p.Glu522*) in the GALNT12 gene. While this is not anticipated to result in nonsense mediated decay, it is expected to disrupt the last 60 amino acid(s) of the GALNT12 protein. This variant is not present in population databases (gnomAD no frequency).

NM_024642.5(GALNT12):c.1564G>T (p.Glu522Ter)

Gene: GALNT12 (polypeptide N-acetylgalactosaminyltransferase 12; plus strand). Cytogenetic location: 9q22.33.
Variant type: single nucleotide variant.
Coding change: c.1564G>T on transcript NM_024642.5 (MANE Select); coding-DNA position 1564, G replaced by T.
Protein change: p.Glu522Ter; replaces glutamic acid 522 with a stop codon.
Molecular consequence: nonsense.
Genome position (GRCh38, 1-based): chr9:98,846,082, G>T. VCF-style: chr9-98846082-G-T. GRCh37 (hg19) VCF-style: chr9-101608364-G-T.
Other names: short protein forms E522*.
Identifiers: ClinVar variation 1449635 (VCV001449635.12), dbSNP rs200303625, ClinGen allele CA5154316.